The following is an entry in ClinVar:

NM_006996.3(SLC19A2):c.749G>A (p.Trp250Ter)

Gene: SLC19A2 (solute carrier family 19 member 2; minus strand). Cytogenetic location: 1q24.2.
Variant type: single nucleotide variant.
Coding change: c.749G>A on transcript NM_006996.3 (MANE Select); coding-DNA position 749, G replaced by A.
Protein change: p.Trp250Ter; replaces tryptophan 250 with a stop codon.
Molecular consequence: nonsense. On other transcripts: intron variant (1).
Genome position (GRCh38, 1-based): chr1:169,477,213, C>T on the plus strand (G>A on the coding strand, the complement: SLC19A2 is on the minus strand). VCF-style: chr1-169477213-C-T. GRCh37 (hg19) VCF-style: chr1-169446451-C-T.
Other names: c.205-7027G>A (NM_001319667.1); short protein forms W250*.
Identifiers: ClinVar variation 2023498 (VCV002023498.5), dbSNP rs778795434, ClinGen allele CA1233019.
Genomic context (GRCh38, chr1:169,477,213, plus strand): 5'-ACCGGTTCCTCCACGGGAGGCTCCTCCATATTTAGAGGGATTTTTGACTCAATGTCCTCC[C>T]AGCCAGGAAGGTGGTTAGAAGCTGGGGTGTCAGTAACAATGCCACCATTTTGTACCTTGA-3'

ClinVar aggregate classification (germline): Pathogenic/Likely pathogenic. Review status: criteria provided, multiple submitters, no conflicts (2 of 4 stars). 2 submissions from 2 submitters: Pathogenic (1); Likely pathogenic (1). Last evaluated 2025-01-06.

Conditions:
Megaloblastic anemia, thiamine-responsive, with diabetes mellitus and sensorineural deafness (TRMA). Also called: THIAMINE METABOLISM DYSFUNCTION SYNDROME 1 (MEGALOBLASTIC ANEMIA, DIABETES MELLITUS, AND DEAFNESS TYPE); Thiamine-Responsive Megaloblastic Anemia Syndrome; ROGERS SYNDROME; THIAMINE-RESPONSIVE ANEMIA SYNDROME; THIAMINE-RESPONSIVE MYELODYSPLASIA. Identifiers: Orphanet 49827, MedGen C0342287, MONDO:0009575, OMIM 249270.

Allele frequency attached by ClinVar (database versions not stated): TOPMed 0.00001; gnomAD exomes below 0.00001; ExAC 0.00001.
gnomAD v4.1: 1 of 1,614,100 alleles (0.000062%); highest among the groups gnomAD compares: Non-Finnish European, 0.000085%; no homozygotes.

Submissions (2):

Labcorp Genetics (formerly Invitae), Labcorp
Classification: Pathogenic. Last evaluated: 2025-01-06. Review status: criteria provided, single submitter. Criteria: Invitae Variant Classification Sherloc (09022015). Collection method: clinical testing. Allele origin: germline.
Comment: This sequence change creates a premature translational stop signal (p.Trp250*) in the SLC19A2 gene. It is expected to result in an absent or disrupted protein product. Loss-of-function variants in SLC19A2 are known to be pathogenic (PMID: 10391221, 10391223, 10874303). This variant is present in population databases (rs778795434, gnomAD 0.0009%). This premature translational stop signal has been observed in individual(s) with thiamine-responsive megaloblastic anemia syndrome (PMID: 10391221). ClinVar contains an entry for this variant (Variation ID: 2023498). For these reasons, this variant has been classified as Pathogenic.

Fulgent Genetics
Classification: Likely pathogenic for Megaloblastic anemia, thiamine-responsive, with diabetes mellitus and sensorineural deafness. Last evaluated: 2024-05-16. Review status: criteria provided, single submitter. Criteria: ACMG Guidelines, 2015. Collection method: clinical testing. Allele origin: germline.

Literature cited by the submitters: PubMed 10391221 (cited by Labcorp Genetics (formerly Invitae), Labcorp); PubMed 10391223 (cited by Labcorp Genetics (formerly Invitae), Labcorp); PubMed 10874303 (cited by Labcorp Genetics (formerly Invitae), Labcorp).